The following is an entry in ClinVar:

NM_000094.4(COL7A1):c.8527+6G>A

Gene: COL7A1 (collagen type VII alpha 1 chain; minus strand). Cytogenetic location: 3p21.31.
Variant type: single nucleotide variant.
Coding change: c.8527+6G>A on transcript NM_000094.4 (MANE Select); 6 bases into the intron after coding-DNA position 8527, G replaced by A.
Molecular consequence: intron variant.
Genome position (GRCh38, 1-based): chr3:48,565,404, C>T on the plus strand (G>A on the coding strand, the complement: COL7A1 is on the minus strand). VCF-style: chr3-48565404-C-T. GRCh37 (hg19) VCF-style: chr3-48602837-C-T.
Identifiers: ClinVar variation 4721071 (VCV004721071.1).

ClinVar aggregate classification (germline): Uncertain significance (1 of 4 stars; one submission).

Submission:

Labcorp Genetics (formerly Invitae), Labcorp
Classification: Uncertain significance. Last evaluated: 2025-12-23. Review status: criteria provided, single submitter. Criteria: Invitae Variant Classification Sherloc (09022015). Collection method: clinical testing. Allele origin: germline.
Comment: This sequence change falls in intron 115 of the COL7A1 gene. It does not directly change the encoded amino acid sequence of the COL7A1 protein. It affects a nucleotide within the consensus splice site. This variant is not present in population databases (gnomAD no frequency). This variant has not been reported in the literature in individuals affected with COL7A1-related conditions. Variants that disrupt the consensus splice site are a relatively common cause of aberrant splicing (PMID: 17576681, 9536098). Algorithms developed to predict the effect of sequence changes on RNA splicing suggest that this variant is not likely to affect RNA splicing. In summary, the available evidence is currently insufficient to determine the role of this variant in disease. Therefore, it has been classified as a Variant of Uncertain Significance.

Literature cited by the submitters: PubMed 17576681; PubMed 9536098.